The following is an entry in ClinVar:

ClinVar aggregate classification (germline): Conflicting classifications of pathogenicity. Review status: criteria provided, conflicting classifications (1 of 4 stars). 6 submissions from 6 submitters: Uncertain significance (1); Likely benign (4). 1 of the submissions does not count toward it. Last evaluated 2026-01-12.

Conditions:
Autosomal recessive nonsyndromic hearing loss 79. Identifiers: Orphanet 90636, MedGen C2750082, MONDO:0013215, OMIM 613307.
Inborn genetic diseases. Identifiers: MedGen C0950123, MeSH D030342.

Allele frequency attached by ClinVar (database versions not stated): ESP Exome Variant Server 0.00038; 1000 Genomes Project 30x 0.00047; TOPMed 0.00055; 1000 Genomes Project 0.00060; gnomAD 0.00070.

Submissions (6):

Labcorp Genetics (formerly Invitae), Labcorp
Classification: Uncertain significance. Last evaluated: 2026-01-12. Review status: criteria provided, single submitter. Criteria: Invitae Variant Classification Sherloc (09022015). Collection method: clinical testing. Allele origin: germline.
Comment: This sequence change replaces alanine, which is neutral and non-polar, with threonine, which is neutral and polar, at codon 675 of the TPRN protein (p.Ala675Thr). This variant is present in population databases (rs139520402, gnomAD 0.1%), and has an allele count higher than expected for a pathogenic variant. This variant has not been reported in the literature in individuals affected with TPRN-related conditions. ClinVar contains an entry for this variant (Variation ID: 228025). Invitae Evidence Modeling of protein sequence and biophysical properties (such as structural, functional, and spatial information, amino acid conservation, physicochemical variation, residue mobility, and thermodynamic stability) indicates that this missense variant is not expected to disrupt TPRN protein function with a negative predictive value of 80%. In summary, the available evidence is currently insufficient to determine the role of this variant in disease. Therefore, it has been classified as a Variant of Uncertain Significance.

Blueprint Genetics
Classification: Likely benign. Last evaluated: 2024-11-25. Review status: criteria provided, single submitter. Criteria: ACMG Guidelines, 2015. Collection method: clinical testing. Allele origin: germline.

Ambry Genetics
Classification: Likely benign for Inborn genetic diseases. Last evaluated: 2024-08-28. Review status: criteria provided, single submitter. Criteria: Ambry Variant Classification Scheme 2023. Collection method: clinical testing. Allele origin: germline.

GeneDx
Classification: Likely benign. Last evaluated: 2021-01-05. Review status: criteria provided, single submitter. Criteria: GeneDx Variant Classification Process June 2021. Collection method: clinical testing. Allele origin: germline. Affected: yes.

Laboratory for Molecular Medicine, Mass General Brigham Personalized Medicine
Classification: Likely benign. Last evaluated: 2016-03-15. Review status: criteria provided, single submitter. Criteria: LMM Criteria. Collection method: clinical testing. Allele origin: germline. Observed: 1 variant allele.
Comment: p.Ala675Thr in exon 3 of TPRN: This variant is not expected to have clinical sig nificance due to a lack of conservation across species, including mammals. Of no te, >25 mammals have a threonine (Thr) at this position despite high nearby amin o acid conservation. In addition, computational prediction tools do not suggest a high likelihood of impact to the protein. It has been identified in 0.1% (65/6 4212) European chromosomes by the Exome Aggregation Consortium (ExAC; dbSNP rs139520402).

Division of Human Genetics, Children's Hospital of Philadelphia
Classification: Uncertain significance for Autosomal recessive nonsyndromic hearing loss 79. Last evaluated: 2016-09-07. Review status: no assertion criteria provided. Collection method: research. Allele origin: paternal. Affected: yes. Study: CSER-PediSeq. Not counted in ClinVar's aggregate classification.

NM_001128228.3(TPRN):c.2023G>A (p.Ala675Thr)

Gene: TPRN (taperin; minus strand). Cytogenetic location: 9q34.3.
Variant type: single nucleotide variant.
Coding change: c.2023G>A on transcript NM_001128228.3 (MANE Select); coding-DNA position 2023, G replaced by A.
Protein change: p.Ala675Thr; replaces alanine 675 with threonine.
Molecular consequence: missense variant.
Genome position (GRCh38, 1-based): chr9:137,192,309, C>T on the plus strand (G>A on the coding strand, the complement: TPRN is on the minus strand). VCF-style: chr9-137192309-C-T. GRCh37 (hg19) VCF-style: chr9-140086761-C-T.
Other names: short protein forms A675T.
Identifiers: ClinVar variation 228025 (VCV000228025.14), dbSNP rs139520402, ClinGen allele CA5362552.